The following is an entry in ClinVar:

ClinVar aggregate classification (germline): Pathogenic (1 of 4 stars; one submission).

Submission:

Labcorp Genetics (formerly Invitae), Labcorp
Classification: Pathogenic. Last evaluated: 2022-07-18. Review status: criteria provided, single submitter. Criteria: Invitae Variant Classification Sherloc (09022015). Collection method: clinical testing. Allele origin: germline.
Comment: This sequence change creates a premature translational stop signal (p.Leu547Glyfs*19) in the PIDD1 gene. It is expected to result in an absent or disrupted protein product. Loss-of-function variants in PIDD1 are known to be pathogenic (PMID: 28397838, 29302074, 34163010). This variant is not present in population databases (gnomAD no frequency). This variant has not been reported in the literature in individuals affected with PIDD1-related conditions. For these reasons, this variant has been classified as Pathogenic.

Literature cited by the submitters: PubMed 28397838; PubMed 29302074; PubMed 34163010.

NM_145886.4(PIDD1):c.1635_1636del (p.Leu547fs)

Gene: PIDD1 (p53-induced death domain protein 1; minus strand). Cytogenetic location: 11p15.5.
Variant type: Deletion.
Coding change: c.1635_1636del on transcript NM_145886.4 (MANE Select); coding-DNA positions 1635 to 1636, 2 bases deleted (CA; older notation c.1635_1636delCA).
Protein change: p.Leu547fs; shifts the reading frame from leucine 547.
Molecular consequence: frameshift variant.
Genome position (GRCh38, 1-based): chr11:801,115-801,116, TG deleted on the plus strand (CA on the coding strand, the reverse complement: PIDD1 is on the minus strand). VCF-style (leftmost placement, unchanged base first): chr11-801114-CTG-C. GRCh37 (hg19) VCF-style: chr11-801114-CTG-C.
Other names: c.1635_1636del, p.Leu547fs (NM_145887.4); short protein forms L547fs.
Identifiers: ClinVar variation 2167925 (VCV002167925.1), dbSNP rs2495288342, ClinGen allele CA2580083876.